The following is an entry in ClinVar:

NM_000388.4(CASR):c.492+6C>A

Gene: CASR (calcium sensing receptor; plus strand). Cytogenetic location: 3q21.1.
Variant type: single nucleotide variant.
Coding change: c.492+6C>A on transcript NM_000388.4 (MANE Select); 6 bases into the intron after coding-DNA position 492, C replaced by A.
Molecular consequence: intron variant.
Genome position (GRCh38, 1-based): chr3:122,257,393, C>A. VCF-style: chr3-122257393-C-A. GRCh37 (hg19) VCF-style: chr3-121976240-C-A.
Other names: c.492+6C>A (NM_001178065.2).
Identifiers: ClinVar variation 1401548 (VCV001401548.6), dbSNP rs765346357, ClinGen allele CA2569477.
Genomic context (GRCh38, chr3:122,257,393, plus strand): 5'-CTCAGGCGTCTCCACGGCAGTGGCAAATCTGCTGGGGCTCTTCTACATTCCCCAGGTACT[C>A]AAGCCTTCTCAGGCGGGGCACTGGGAGCAGGATCAGAAGAAGCAGGCTTGGGGGTGCCAT-3'

ClinVar aggregate classification (germline): Uncertain significance (1 of 4 stars; one submission).

Conditions:
Familial hypocalciuric hypercalcemia (FHH). Also called: Familial benign hypercalcemia. Identifiers: Orphanet 405, MedGen C1809471, MONDO:0018458.
Autosomal dominant hypocalcemia 1 (HYPOC1). Also called: HYPOCALCEMIA, FAMILIAL. Identifiers: MedGen C3715128, MONDO:0011013, OMIM 601198.

Allele frequency attached by ClinVar (database versions not stated): TOPMed below 0.00001; gnomAD 0.00001.

Submission:

Labcorp Genetics (formerly Invitae), Labcorp
Classification: Uncertain significance for Familial hypocalciuric hypercalcemia; Autosomal dominant hypocalcemia 1. Last evaluated: 2023-07-17. Review status: criteria provided, single submitter. Criteria: Invitae Variant Classification Sherloc (09022015). Collection method: clinical testing. Allele origin: germline.
Comment: In summary, the available evidence is currently insufficient to determine the role of this variant in disease. Therefore, it has been classified as a Variant of Uncertain Significance. Variants that disrupt the consensus splice site are a relatively common cause of aberrant splicing (PMID: 17576681, 9536098). Algorithms developed to predict the effect of sequence changes on RNA splicing suggest that this variant is not likely to affect RNA splicing. ClinVar contains an entry for this variant (Variation ID: 1401548). This variant has not been reported in the literature in individuals affected with CASR-related conditions. This variant is not present in population databases (gnomAD no frequency). This sequence change falls in intron 3 of the CASR gene. It does not directly change the encoded amino acid sequence of the CASR protein. It affects a nucleotide within the consensus splice site.

Literature cited by the submitters: PubMed 17576681; PubMed 9536098.